The following is an entry in ClinVar:

ClinVar aggregate classification (germline): Uncertain significance (1 of 4 stars; one submission).

Submission:

Labcorp Genetics (formerly Invitae), Labcorp
Classification: Uncertain significance. Last evaluated: 2022-08-27. Review status: criteria provided, single submitter. Criteria: Invitae Variant Classification Sherloc (09022015). Collection method: clinical testing. Allele origin: germline.
Comment: In summary, the available evidence is currently insufficient to determine the role of this variant in disease. Therefore, it has been classified as a Variant of Uncertain Significance. Algorithms developed to predict the effect of missense changes on protein structure and function are either unavailable or do not agree on the potential impact of this missense change (SIFT: "Deleterious"; PolyPhen-2: "Probably Damaging"; Align-GVGD: "Class C0"). This variant has not been reported in the literature in individuals affected with SPPL2A-related conditions. This variant is present in population databases (no rsID available, gnomAD 0.003%). This sequence change replaces phenylalanine, which is neutral and non-polar, with serine, which is neutral and polar, at codon 353 of the SPPL2A protein (p.Phe353Ser).

NM_032802.4(SPPL2A):c.1058T>C (p.Phe353Ser)

Gene: SPPL2A (signal peptide peptidase like 2A; minus strand). Cytogenetic location: 15q21.2.
Variant type: single nucleotide variant.
Coding change: c.1058T>C on transcript NM_032802.4 (MANE Select); coding-DNA position 1058, T replaced by C.
Protein change: p.Phe353Ser; replaces phenylalanine 353 with serine.
Molecular consequence: missense variant.
Genome position (GRCh38, 1-based): chr15:50,730,996, A>G on the plus strand (T>C on the coding strand, the complement: SPPL2A is on the minus strand). VCF-style: chr15-50730996-A-G. GRCh37 (hg19) VCF-style: chr15-51023193-A-G.
Other names: short protein forms F353S.
Identifiers: ClinVar variation 1972997 (VCV001972997.5), dbSNP rs1322444174, ClinGen allele CA392410503.
Genomic context (GRCh38, chr15:50,730,996, plus strand): 5'-CTTCACCCATTTCAAAAATATGGTCATACCTTTGTGATGAATGGTGTTATGAAAACAAAA[A>G]ATACATCATAGAGGAGGAGAAGGCCTAGAAGTATCACACATGACTGTCAAAGAAAGAAAC-3'
Protein context (NP_116191.2, residues 343-363): LLGLLLLYDV[Phe353Ser]FVFITPFITK